The following is an entry in ClinVar:

ClinVar aggregate classification (germline): Uncertain significance (1 of 4 stars; one submission).

Allele frequency attached by ClinVar (database versions not stated): TOPMed below 0.00001; gnomAD 0.00001.

Submission:

Labcorp Genetics (formerly Invitae), Labcorp
Classification: Uncertain significance. Last evaluated: 2025-04-02. Review status: criteria provided, single submitter. Criteria: Invitae Variant Classification Sherloc (09022015). Collection method: clinical testing. Allele origin: germline.
Comment: This sequence change replaces glycine, which is neutral and non-polar, with aspartic acid, which is acidic and polar, at codon 37 of the KCNQ4 protein (p.Gly37Asp). The frequency data for this variant in the population databases is considered unreliable, as metrics indicate insufficient coverage at this position in the gnomAD database. This variant has not been reported in the literature in individuals affected with KCNQ4-related conditions. ClinVar contains an entry for this variant (Variation ID: 2699804). Invitae Evidence Modeling of protein sequence and biophysical properties (such as structural, functional, and spatial information, amino acid conservation, physicochemical variation, residue mobility, and thermodynamic stability) indicates that this missense variant is not expected to disrupt KCNQ4 protein function with a negative predictive value of 95%. In summary, the available evidence is currently insufficient to determine the role of this variant in disease. Therefore, it has been classified as a Variant of Uncertain Significance.

NM_004700.4(KCNQ4):c.110G>A (p.Gly37Asp)

Gene: KCNQ4 (potassium voltage-gated channel subfamily Q member 4; plus strand). Cytogenetic location: 1p34.2.
Variant type: single nucleotide variant.
Coding change: c.110G>A on transcript NM_004700.4 (MANE Select); coding-DNA position 110, G replaced by A.
Protein change: p.Gly37Asp; replaces glycine 37 with aspartic acid.
Molecular consequence: missense variant.
Genome position (GRCh38, 1-based): chr1:40,784,203, G>A. VCF-style: chr1-40784203-G-A. GRCh37 (hg19) VCF-style: chr1-41249875-G-A.
Other names: c.110G>A, p.Gly37Asp (NM_172163.3); short protein forms G37D.
Identifiers: ClinVar variation 2699804 (VCV002699804.3), dbSNP rs983796218, ClinGen allele CA21089031.
Genomic context (GRCh38, chr1:40,784,203, plus strand): 5'-ACGCCCCCCGCGCGGAGCTAGTGGCGCTCACGGCCGTGCAGAGCGAACAGGGCGAGGCGG[G>A]CGGGGGCGGCTCCCCGCGCCGCCTCGGCCTCCTGGGCAGCCCCCTGCCGCCGGGCGCGCC-3'
Protein context (NP_004691.2, residues 27-47): TAVQSEQGEA[Gly37Asp]GGGSPRRLGL